The following is an entry in ClinVar:

ClinVar aggregate classification (germline): Uncertain significance (1 of 4 stars; one submission).

gnomAD v4.1: 9 of 1,614,044 alleles (0.00056%); highest among the groups gnomAD compares: Admixed American, 0.0017%; no homozygotes.

Submission:

Dasa
Classification: Uncertain significance. Last evaluated: 2025-11-07. Review status: criteria provided, single submitter. Criteria: DASA Assertion Criteria. Collection method: clinical testing. Allele origin: germline.
Comment: NM_017533.2(MYH4):c.1528G>T (p.Glu510*) introduces a premature termination codon predicted to result in loss of normal protein function. Loss-of-function is an established mechanism of disease for this gene. The variant is present at low frequency in population datasets. Based on the available data, this variant is classified as variant of uncertain significance.

NM_017533.2(MYH4):c.1528G>T (p.Glu510Ter)

Genes: MYH4 (myosin heavy chain 4; minus strand), MYHAS (myosin heavy chain gene cluster antisense RNA; plus strand). Cytogenetic location: 17p13.1.
Variant type: single nucleotide variant.
Coding change: c.1528G>T on transcript NM_017533.2 (MANE Select); coding-DNA position 1528, G replaced by T.
Protein change: p.Glu510Ter; replaces glutamic acid 510 with a stop codon.
Molecular consequence: nonsense.
Genome position (GRCh38, 1-based): chr17:10,459,310, C>A on the plus strand (G>T on the coding strand, the complement: MYH4 is on the minus strand). VCF-style: chr17-10459310-C-A. GRCh37 (hg19) VCF-style: chr17-10362627-C-A.
Other names: short protein forms E510*.
Identifiers: ClinVar variation 4851912 (VCV004851912.1).